The following is an entry in ClinVar:

ClinVar aggregate classification (germline): Likely benign. Review status: criteria provided, multiple submitters, no conflicts (2 of 4 stars). 4 submissions from 4 submitters: Likely benign (3). 1 of the submissions does not count toward it. Last evaluated 2025-11-11.

Conditions:
LAMA1-related disorder. Also called: LAMA1-related condition; LAMA1-related disorders.

Allele frequency attached by ClinVar (database versions not stated): TOPMed 0.00020.
gnomAD v4.1: 124 of 1,610,814 alleles (0.0077%); highest among the groups gnomAD compares: African/African-American, 0.052%; 1 homozygote.

Submissions (4):

Labcorp Genetics (formerly Invitae), Labcorp
Classification: Likely benign. Last evaluated: 2025-11-11. Review status: criteria provided, single submitter. Criteria: Invitae Variant Classification Sherloc (09022015). Collection method: clinical testing. Allele origin: germline.

Mayo Clinic Laboratories, Mayo Clinic
Classification: Likely benign. Last evaluated: 2025-07-14. Review status: criteria provided, single submitter. Criteria: ACMG Guidelines, 2015. Collection method: clinical testing. Allele origin: germline. Observed: 1 variant allele.
Comment: BP4, BP7

Blueprint Genetics
Classification: Likely benign. Last evaluated: 2024-11-26. Review status: criteria provided, single submitter. Criteria: ACMG Guidelines, 2015. Collection method: clinical testing. Allele origin: germline.

PreventionGenetics, part of Exact Sciences
Classification: Likely benign for LAMA1-related condition. Last evaluated: 2019-10-15. Review status: no assertion criteria provided. Collection method: clinical testing. Allele origin: germline. Not counted in ClinVar's aggregate classification.
Comment: This variant is classified as likely benign based on ACMG/AMP sequence variant interpretation guidelines (Richards et al. 2015 PMID: 25741868, with internal and published modifications).

NM_005559.4(LAMA1):c.2283G>A (p.Ala761=)

Gene: LAMA1 (laminin subunit alpha 1; minus strand). Cytogenetic location: 18p11.31.
Variant type: single nucleotide variant.
Coding change: c.2283G>A on transcript NM_005559.4 (MANE Select); coding-DNA position 2283, G replaced by A.
Protein change: p.Ala761=; no amino-acid change (alanine 761 retained).
Molecular consequence: synonymous variant.
Genome position (GRCh38, 1-based): chr18:7,026,098, C>T on the plus strand (G>A on the coding strand, the complement: LAMA1 is on the minus strand). VCF-style: chr18-7026098-C-T. GRCh37 (hg19) VCF-style: chr18-7026097-C-T.
Other names: p.Ala761=.
Identifiers: ClinVar variation 730102 (VCV000730102.13), dbSNP rs144236117, ClinGen allele CA8882690.